The following is an entry in ClinVar:

ClinVar aggregate classification (germline): Pathogenic (1 of 4 stars; one submission).

Conditions:
Peroxisome biogenesis disorder. Identifiers: Orphanet 79189, MedGen C1832200, MONDO:0019234. Disease mechanism: loss of function.

Submission:

Labcorp Genetics (formerly Invitae), Labcorp
Classification: Pathogenic for Peroxisome biogenesis disorder. Last evaluated: 2023-06-05. Review status: criteria provided, single submitter. Criteria: Invitae Variant Classification Sherloc (09022015). Collection method: clinical testing. Allele origin: germline.
Comment: This variant is not present in population databases (gnomAD no frequency). For these reasons, this variant has been classified as Pathogenic. This variant has not been reported in the literature in individuals affected with PEX6-related conditions. This sequence change creates a premature translational stop signal (p.Ala96Cysfs*7) in the PEX6 gene. It is expected to result in an absent or disrupted protein product. Loss-of-function variants in PEX6 are known to be pathogenic (PMID: 8670792, 19877282, 21031596).

Literature cited by the submitters: PubMed 8670792; PubMed 19877282; PubMed 21031596.

NM_000287.4(PEX6):c.286_289del (p.Ala96fs)

Gene: PEX6 (peroxisomal biogenesis factor 6; minus strand). Cytogenetic location: 6p21.1.
Variant type: Microsatellite.
Coding change: c.286_289del on transcript NM_000287.4 (MANE Select); coding-DNA positions 286 to 289, 4 bases deleted (GCGG; older notation c.286_289delGCGG).
Protein change: p.Ala96fs; shifts the reading frame from alanine 96.
Molecular consequence: frameshift variant. On other transcripts: non-coding transcript variant (1).
Genome position (GRCh38, 1-based): chr6:42,978,862-42,978,865, CCGC deleted on the plus strand (GCGG on the coding strand, the reverse complement: PEX6 is on the minus strand); deleting any 4 consecutive bases within chr6:42,978,862-42,978,869 gives the same sequence; the c. name uses the placement nearest the transcript's 3' end. VCF-style (leftmost placement, unchanged base first): chr6-42978861-ACCGC-A. GRCh37 (hg19) VCF-style: chr6-42946599-ACCGC-A.
Other names: c.286_289del, p.Ala96fs (NM_001316313.2); short protein forms A96fs.
Identifiers: ClinVar variation 2692940 (VCV002692940.3), dbSNP rs2481281490, ClinGen allele CA2697553400.
Genomic context (GRCh38, chr6:42,978,861, plus strand): 5'-CCGAGCCCAGGCCCCAGCGAGGTGCCAAGCAGTGCCCAACCTAGCGCCGGGGGCCGCCGC[ACCGC>A]CCGCGCCCGCACCCAGGCCCCGGAGCCCAGTGCCAGGAGCCGCAGCAGCGCGCGGCTAAC-3'